The following is an entry in ClinVar:

ClinVar aggregate classification (germline): Conflicting classifications of pathogenicity. Review status: criteria provided, conflicting classifications (1 of 4 stars). 4 submissions from 4 submitters: Uncertain significance (3); Benign (1). Last evaluated 2025-12-30.

Conditions:
Hereditary breast ovarian cancer syndrome. Also called: Hereditary breast and/or ovarian cancer syndrome; Hereditary breast and ovarian cancer; Breast and ovarian cancer; Hereditary breast and ovarian cancer syndrome (HBOC); BRCA1- and BRCA2-Associated Hereditary Breast and Ovarian Cancer; Hereditary breast and ovarian cancer syndrome. Identifiers: Orphanet 145, MedGen C0677776, MeSH D061325, MONDO:0003582. Disease mechanism: loss of function.
Hereditary cancer-predisposing syndrome. Also called: Hereditary neoplastic syndrome; Tumor predisposition; Neoplastic Syndromes, Hereditary; Hereditary Cancer Syndrome. Identifiers: Orphanet 140162, MedGen C0027672, MeSH D009386, MONDO:0015356.

Submissions (4):

Ambry Genetics
Classification: Benign for Hereditary cancer-predisposing syndrome. Last evaluated: 2025-12-30. Review status: criteria provided, single submitter. Criteria: Ambry Variant Classification Scheme 2023. Collection method: clinical testing. Allele origin: germline.

Women's Health and Genetics/Laboratory Corporation of America, LabCorp
Classification: Uncertain significance. Last evaluated: 2025-10-27. Review status: criteria provided, single submitter. Criteria: LabCorp Variant Classification Summary - May 2015. Collection method: clinical testing. Allele origin: germline.
Comment: Variant summary: BRCA2 c.7617G>A (p.Gln2539Gln) alters a conserved nucleotide located close to a canonical splice site and therefore could affect mRNA splicing, leading to a significantly altered protein sequence. Several computational tools predict a significant impact on normal splicing: Four predict the variant weakens a 5' donor site. However, functional studies indicate that the variant does not affect splicing (e.g. Houdayer_2012, Fraile-Bethencout_2019, Dong_2023). The variant was absent in 250564 control chromosomes. The available data on variant occurrences in the general population are insufficient to allow any conclusion about variant significance. c.7617G>A has been observed in individual(s) undergoing BRCA1/2 testing, but further clinical details were not provided (e.g. Houdayer_2012). These report(s) do not provide unequivocal conclusions about association of the variant with Hereditary Breast And Ovarian Cancer Syndrome. The following publications have been ascertained in the context of this evaluation (PMID: 36446827, 31191615, 22505045). ClinVar contains an entry for this variant (Variation ID: 1330029). Based on the evidence outlined above, the variant was classified as uncertain significance.

Labcorp Genetics (formerly Invitae), Labcorp
Classification: Uncertain significance for Hereditary breast ovarian cancer syndrome. Last evaluated: 2021-06-15. Review status: criteria provided, single submitter. Criteria: Invitae Variant Classification Sherloc (09022015). Collection method: clinical testing. Allele origin: germline.
Comment: In summary, the available evidence is currently insufficient to determine the role of this variant in disease. Therefore, it has been classified as a Variant of Uncertain Significance. Nucleotide substitutions within the consensus splice site are a relatively common cause of aberrant splicing (PMID: 17576681, 9536098). Experimental studies have shown that this variant does not affect mRNA splicing (PMID: 31191615). This variant has not been reported in the literature in individuals with BRCA2-related conditions. This variant is not present in population databases (ExAC no frequency). This sequence change affects codon 2539 of the BRCA2 mRNA. It is a 'silent' change, meaning that it does not change the encoded amino acid sequence of the BRCA2 protein. This variant also falls at the last nucleotide of exon 15, which is part of the consensus splice site for this exon.

Quest Diagnostics Nichols Institute San Juan Capistrano
Classification: Uncertain significance. Last evaluated: 2020-11-19. Review status: criteria provided, single submitter. Criteria: Quest Diagnostics criteria. Collection method: clinical testing. Allele origin: unknown.

Literature cited by the submitters: PubMed 22505045 (cited by Women's Health and Genetics/Laboratory Corporation of America, LabCorp); PubMed 31191615 (cited by 3 submitters); PubMed 36446827 (cited by Women's Health and Genetics/Laboratory Corporation of America, LabCorp); PubMed 17576681 (cited by Labcorp Genetics (formerly Invitae), Labcorp); PubMed 9536098 (cited by Labcorp Genetics (formerly Invitae), Labcorp).

NM_000059.4(BRCA2):c.7617G>A (p.Gln2539=)

Gene: BRCA2 (BRCA2 DNA repair associated; plus strand). Cytogenetic location: 13q13.1.
Variant type: single nucleotide variant.
Coding change: c.7617G>A on transcript NM_000059.4 (MANE Select); coding-DNA position 7617, G replaced by A.
Protein change: p.Gln2539=; no amino-acid change (glutamine 2539 retained).
Molecular consequence: synonymous variant.
Genome position (GRCh38, 1-based): chr13:32,356,609, G>A. VCF-style: chr13-32356609-G-A. GRCh37 (hg19) VCF-style: chr13-32930746-G-A.
Identifiers: ClinVar variation 1330029 (VCV001330029.10), dbSNP rs1442441018, ClinGen allele CA483260480.